The following is an entry in ClinVar:

ClinVar aggregate classification (germline): Uncertain significance (1 of 4 stars; one submission).

Conditions:
Hereditary sensory neuropathy-deafness-dementia syndrome. Also called: HSN IE; Hereditary Sensory and Autonomic Neuropathy Type 1E (HSAN1E); NEUROPATHY, HEREDITARY SENSORY, WITH HEARING LOSS AND DEMENTIA; Hereditary sensory neuropathy type IE. Identifiers: Orphanet 456318, MedGen C3279885, MONDO:0013584, OMIM 614116.

Allele frequency attached by ClinVar (database versions not stated): ExAC 0.00001; gnomAD 0.00001; gnomAD exomes 0.00002.
gnomAD v4.1: 10 of 1,614,108 alleles (0.00062%); highest among the groups gnomAD compares: Admixed American, 0.017%; no homozygotes.

Submission:

Labcorp Genetics (formerly Invitae), Labcorp
Classification: Uncertain significance for Hereditary sensory neuropathy-deafness-dementia syndrome. Last evaluated: 2025-03-18. Review status: criteria provided, single submitter. Criteria: Invitae Variant Classification Sherloc (09022015). Collection method: clinical testing. Allele origin: germline.
Comment: This sequence change replaces cysteine, which is neutral and slightly polar, with glycine, which is neutral and non-polar, at codon 767 of the DNMT1 protein (p.Cys767Gly). This variant is present in population databases (rs760149381, gnomAD 0.03%). This variant has not been reported in the literature in individuals affected with DNMT1-related conditions. ClinVar contains an entry for this variant (Variation ID: 2164328). Invitae Evidence Modeling of protein sequence and biophysical properties (such as structural, functional, and spatial information, amino acid conservation, physicochemical variation, residue mobility, and thermodynamic stability) indicates that this missense variant is not expected to disrupt DNMT1 protein function with a negative predictive value of 80%. In summary, the available evidence is currently insufficient to determine the role of this variant in disease. Therefore, it has been classified as a Variant of Uncertain Significance.

NM_001130823.3(DNMT1):c.2299T>G (p.Cys767Gly)

Gene: DNMT1 (DNA methyltransferase 1; minus strand). Cytogenetic location: 19p13.2.
Variant type: single nucleotide variant.
Coding change: c.2299T>G on transcript NM_001130823.3 (MANE Select); coding-DNA position 2299, T replaced by G.
Protein change: p.Cys767Gly; replaces cysteine 767 with glycine.
Molecular consequence: missense variant.
Genome position (GRCh38, 1-based): chr19:10,149,935, A>C on the plus strand (T>G on the coding strand, the complement: DNMT1 is on the minus strand). VCF-style: chr19-10149935-A-C. GRCh37 (hg19) VCF-style: chr19-10260611-A-C.
Other names: c.2251T>G, p.Cys751Gly (NM_001318730.2, NM_001379.4); c.1936T>G, p.Cys646Gly (NM_001318731.2); short protein forms C751G, C646G, C767G.
Identifiers: ClinVar variation 2164328 (VCV002164328.4), dbSNP rs760149381, ClinGen allele CA9188084.